The following is an entry in ClinVar:

ClinVar aggregate classification (germline): Uncertain significance (1 of 4 stars; one submission).

Conditions:
Hereditary cancer-predisposing syndrome. Also called: Hereditary Cancer Syndrome; Neoplastic Syndromes, Hereditary; Tumor predisposition; Hereditary neoplastic syndrome. Identifiers: Orphanet 140162, MedGen C0027672, MeSH D009386, MONDO:0015356.

Submission:

Labcorp Genetics (formerly Invitae), Labcorp
Classification: Uncertain significance for Hereditary cancer-predisposing syndrome. Last evaluated: 2023-07-16. Review status: criteria provided, single submitter. Criteria: Invitae Variant Classification Sherloc (09022015). Collection method: clinical testing. Allele origin: germline.
Comment: In summary, the available evidence is currently insufficient to determine the role of this variant in disease. Therefore, it has been classified as a Variant of Uncertain Significance. Advanced modeling of protein sequence and biophysical properties (such as structural, functional, and spatial information, amino acid conservation, physicochemical variation, residue mobility, and thermodynamic stability) performed at Invitae indicates that this missense variant is not expected to disrupt RAD50 protein function. This variant has not been reported in the literature in individuals affected with RAD50-related conditions. This variant is not present in population databases (gnomAD no frequency). This sequence change replaces lysine, which is basic and polar, with glutamic acid, which is acidic and polar, at codon 720 of the RAD50 protein (p.Lys720Glu).

NM_005732.4(RAD50):c.2158A>G (p.Lys720Glu)

Gene: RAD50 (RAD50 double strand break repair protein; plus strand). Cytogenetic location: 5q31.1.
Variant type: single nucleotide variant.
Coding change: c.2158A>G on transcript NM_005732.4 (MANE Select); coding-DNA position 2158, A replaced by G.
Protein change: p.Lys720Glu; replaces lysine 720 with glutamic acid.
Molecular consequence: missense variant.
Genome position (GRCh38, 1-based): chr5:132,595,761, A>G. VCF-style: chr5-132595761-A-G. GRCh37 (hg19) VCF-style: chr5-131931453-A-G.
Other names: short protein forms K720E.
Identifiers: ClinVar variation 2743809 (VCV002743809.3), dbSNP rs2479652281, ClinGen allele CA360950532.